The following is an entry in ClinVar:

NM_000535.7(PMS2):c.1774C>G (p.Gln592Glu)

Gene: PMS2 (PMS1 homolog 2, mismatch repair system component; minus strand). Cytogenetic location: 7p22.1.
Variant type: single nucleotide variant.
Coding change: c.1774C>G on transcript NM_000535.7 (MANE Select); coding-DNA position 1774, C replaced by G.
Protein change: p.Gln592Glu; replaces glutamine 592 with glutamic acid.
Molecular consequence: missense variant. On other transcripts: non-coding transcript variant (1).
Genome position (GRCh38, 1-based): chr7:5,986,991, G>C on the plus strand (C>G on the coding strand, the complement: PMS2 is on the minus strand). VCF-style: chr7-5986991-G-C. GRCh37 (hg19) VCF-style: chr7-6026622-G-C.
Other names: c.1369C>G, p.Gln457Glu (NM_001322003.2, NM_001322004.2, NM_001322005.2 and 1 more transcripts); c.1618C>G, p.Gln540Glu (NM_001322006.2); c.1456C>G, p.Gln486Glu (NM_001322007.2, NM_001322008.2); c.1213C>G, p.Gln405Glu (NM_001322010.2); c.841C>G, p.Gln281Glu (NM_001322011.2, NM_001322012.2); c.1201C>G, p.Gln401Glu (NM_001322013.2); c.1774C>G, p.Gln592Glu (NM_001322014.2); c.1465C>G, p.Gln489Glu (NM_001322015.2); short protein forms Q281E, Q401E, Q540E, Q405E, Q489E, Q457E, Q486E, Q592E.
Identifiers: ClinVar variation 836093 (VCV000836093.11), dbSNP rs63750994, ClinGen allele CA366739923.
Genomic context (GRCh38, chr7:5,986,991, plus strand): 5'-TAATTTTCACAGCTACATCAACCTGAGAGGCTGACATGTCCTGAGTATTTACTAACTTTT[G>C]ACAAATGTCAGAACTGGAAAGAATTTCTTCTTTTTTAAAACGCTTTGTGTTTGGGGTTGC-3'
Protein context (NP_000526.2, residues 582-602): EEILSSSDIC[Gln592Glu]KLVNTQDMSA

ClinVar aggregate classification (germline): Conflicting classifications of pathogenicity. Review status: criteria provided, conflicting classifications (1 of 4 stars). 3 submissions from 3 submitters: Uncertain significance (2); Likely benign (1). Last evaluated 2025-08-24.

Conditions:
Hereditary cancer-predisposing syndrome. Also called: Hereditary neoplastic syndrome; Neoplastic Syndromes, Hereditary; Tumor predisposition; Hereditary Cancer Syndrome. Identifiers: Orphanet 140162, MedGen C0027672, MeSH D009386, MONDO:0015356.
Hereditary nonpolyposis colorectal neoplasms. Identifiers: MedGen C0009405, MeSH D003123.
Lynch syndrome. Identifiers: Orphanet 144, MedGen C4552100, MONDO:0005835. Disease mechanism: loss of function.

Allele frequency attached by ClinVar (database versions not stated): TOPMed below 0.00001.

Submissions (3):

Labcorp Genetics (formerly Invitae), Labcorp
Classification: Uncertain significance for Hereditary nonpolyposis colorectal neoplasms. Last evaluated: 2025-08-24. Review status: criteria provided, single submitter. Criteria: Invitae Variant Classification Sherloc (09022015). Collection method: clinical testing. Allele origin: germline.
Comment: This sequence change replaces glutamine, which is neutral and polar, with glutamic acid, which is acidic and polar, at codon 592 of the PMS2 protein (p.Gln592Glu). This variant is not present in population databases (gnomAD no frequency). This variant has not been reported in the literature in individuals affected with PMS2-related conditions. ClinVar contains an entry for this variant (Variation ID: 836093). Invitae Evidence Modeling of protein sequence and biophysical properties (such as structural, functional, and spatial information, amino acid conservation, physicochemical variation, residue mobility, and thermodynamic stability) indicates that this missense variant is not expected to disrupt PMS2 protein function with a negative predictive value of 80%. In summary, the available evidence is currently insufficient to determine the role of this variant in disease. Therefore, it has been classified as a Variant of Uncertain Significance.

Ambry Genetics
Classification: Likely benign for Hereditary cancer-predisposing syndrome. Last evaluated: 2024-04-11. Review status: criteria provided, single submitter. Criteria: Ambry Variant Classification Scheme 2023. Collection method: clinical testing. Allele origin: germline.

All of Us Research Program, National Institutes of Health
Classification: Uncertain significance for Lynch syndrome. Last evaluated: 2024-02-05. Review status: criteria provided, single submitter. Criteria: ACMG Guidelines, 2015. Collection method: clinical testing. Allele origin: germline. Inheritance: Autosomal dominant inheritance. Observed: 1 variant allele, 1 heterozygote.
Comment: This missense variant replaces glutamine with glutamic acid at codon 592 of the PMS2 protein. Computational prediction suggests that this variant may not impact protein structure and function (internally defined REVEL score threshold <= 0.5, PMID: 27666373). To our knowledge, functional studies have not been reported for this variant. This variant has not been reported in individuals affected with PMS2-related disorders in the literature. This variant has not been identified in the general population by the Genome Aggregation Database (gnomAD). The available evidence is insufficient to determine the role of this variant in disease conclusively. Therefore, this variant is classified as a Variant of Uncertain Significance.

This study involves interpretation of variants in research participants for the purpose of population health screening. Participant phenotype was not available at the time of variant classification. Additional details can be found in publication PMID: 35346344, PMCID: PMC8962531